The following is an entry in ClinVar:

ClinVar aggregate classification (germline): Uncertain significance (1 of 4 stars; one submission).

Submission:

GeneDx
Classification: Uncertain significance. Last evaluated: 2024-11-01. Review status: criteria provided, single submitter. Criteria: GeneDx Variant Classification Process June 2021. Collection method: clinical testing. Allele origin: germline. Affected: yes.
Comment: Not observed at significant frequency in large population cohorts (gnomAD); In silico analysis supports that this missense variant has a deleterious effect on protein structure/function; Has not been previously published as pathogenic or benign to our knowledge

NM_001100913.3(PACS2):c.2279T>C (p.Met760Thr)

Gene: PACS2 (phosphofurin acidic cluster sorting protein 2; plus strand). Cytogenetic location: 14q32.33.
Variant type: single nucleotide variant.
Coding change: c.2279T>C on transcript NM_001100913.3 (MANE Select); coding-DNA position 2279, T replaced by C.
Protein change: p.Met760Thr; replaces methionine 760 with threonine.
Molecular consequence: missense variant.
Genome position (GRCh38, 1-based): chr14:105,392,642, T>C. VCF-style: chr14-105392642-T-C. GRCh37 (hg19) VCF-style: chr14-105858979-T-C.
Other names: c.2009T>C, p.Met670Thr (NM_001243127.3); c.2234T>C, p.Met745Thr (NM_015197.4); short protein forms M670T, M745T, M760T.
Identifiers: ClinVar variation 3897531 (VCV003897531.1).
Genomic context (GRCh38, chr14:105,392,642, plus strand): 5'-AGATGCAGGTGTGAATGCCTCCCTCTGCCTTTCCCAGCCAGGGTGTCGGCGCCGAGCTGA[T>C]GGGGCTGCAGGTGGACTACTGGACGGCAGCACAGCCTGCGGACAGGAAGAGGGACGCCGA-3'
Protein context (NP_001094383.2, residues 750-770): SPSQGVGAEL[Met760Thr]GLQVDYWTAA